The following is an entry in ClinVar:

ClinVar aggregate classification (germline): Conflicting classifications of pathogenicity. Review status: criteria provided, conflicting classifications (1 of 4 stars). 5 submissions from 5 submitters: Pathogenic (2); Uncertain significance (1). 2 of the submissions do not count toward it. Last evaluated 2025-01-28.

Conditions:
Cataract 1 multiple types. Also called: CATARACT 1, NUCLEAR PROGRESSIVE; CATARACT 1 WITH MICROCORNEA; CATARACT 1, MULTIPLE TYPES, WITH OR WITHOUT MICROCORNEA; CATARACT, DUFFY-LINKED; CATARACT 1, POSTERIOR SUBCAPSULAR, WITH MICROCORNEA; CATARACT 1, STELLATE NUCLEAR, WITH MICROCORNEA. Identifiers: Orphanet 1377, MedGen C1861828, MONDO:0007285, OMIM 116200.

gnomAD v4.1: 2 of 1,614,108 alleles (0.00012%); highest among the groups gnomAD compares: Non-Finnish European, 0.00017%; no homozygotes.

Submissions (5):

Labcorp Genetics (formerly Invitae), Labcorp
Classification: Pathogenic for Cataract 1 multiple types. Last evaluated: 2025-01-28. Review status: criteria provided, single submitter. Criteria: Invitae Variant Classification Sherloc (09022015). Collection method: clinical testing. Allele origin: germline.
Comment: This sequence change replaces arginine, which is basic and polar, with glutamine, which is neutral and polar, at codon 198 of the GJA8 protein (p.Arg198Gln). This variant is not present in population databases (gnomAD no frequency). This missense change has been observed in individual(s) with autosomal dominant congenital cataracts (PMID: 16604058, 24281366; internal data). In at least one individual the variant was observed to be de novo. It has also been observed to segregate with disease in related individuals. ClinVar contains an entry for this variant (Variation ID: 8726). Invitae Evidence Modeling of protein sequence and biophysical properties (such as structural, functional, and spatial information, amino acid conservation, physicochemical variation, residue mobility, and thermodynamic stability) indicates that this missense variant is expected to disrupt GJA8 protein function with a positive predictive value of 80%. For these reasons, this variant has been classified as Pathogenic.

GeneDx
Classification: Pathogenic. Last evaluated: 2024-03-26. Review status: criteria provided, single submitter. Criteria: GeneDx Variant Classification Process June 2021. Collection method: clinical testing. Allele origin: germline. Affected: yes.
Comment: Not observed in large population cohorts (gnomAD); In silico analysis, which includes protein predictors and evolutionary conservation, supports a deleterious effect; This variant is associated with the following publications: (PMID: 36736424, 25003127, 21091421, 26659599, 20086076, 28569743, 26986070, Bai2022[casereport], 16604058, 24281366, KONG2022[casereport], 33800913)

Dept. Genetics and Cancer, Menzies Institute for Medical Research, University of Tasmania
Classification: Uncertain significance for Cataract 1 multiple types. Last evaluated: 2023-01-21. Review status: criteria provided, single submitter. Criteria: ACMG Guidelines, 2015. Collection method: curation. Allele origin: germline. Affected: yes.
Comment: Variant identified and curated during a GJA8 specific review of the literature in relation to pediatric or congenital cataract. ACMG-AMP criteria applied: PP1(Moderate), PS4(Supporting), PM2(Supporting), PP3. Original variant report: PMID:16254549;24281366. The cataract phenotype/s reported for this variant are: Nuclear, and Posterior subcapsular. Additional phenotype/s reported in these individual/s are: Microphthalmia. Gene review and curation guidelines are outlined in: DOI 10.1080/17469899.2023.2160320

Eye Genetics Research Group, Children's Medical Research Institute
Classification: Pathogenic for Cataract 1. Last evaluated: 2012-03-30. Review status: no assertion criteria provided. Collection method: research. Allele origin: de novo. Affected: yes. Not counted in ClinVar's aggregate classification.

OMIM
Classification: Pathogenic for CATARACT 1, POSTERIOR SUBCAPSULAR, WITH MICROCORNEA. Last evaluated: 2006-03-23. Review status: no assertion criteria provided. Collection method: literature only. Allele origin: germline. Not counted in ClinVar's aggregate classification.

Literature cited by the submitters: PubMed 16604058 (cited by Labcorp Genetics (formerly Invitae), Labcorp and OMIM); PubMed 24281366 (cited by 3 submitters); PubMed 16254549 (cited by Dept. Genetics and Cancer, Menzies Institute for Medical Research, University of Tasmania).

NM_005267.5(GJA8):c.593G>A (p.Arg198Gln)

Gene: GJA8 (gap junction protein alpha 8; plus strand). Cytogenetic location: 1q21.2.
Variant type: single nucleotide variant.
Coding change: c.593G>A on transcript NM_005267.5 (MANE Select); coding-DNA position 593, G replaced by A.
Protein change: p.Arg198Gln; replaces arginine 198 with glutamine.
Molecular consequence: missense variant.
Genome position (GRCh38, 1-based): chr1:147,908,548, G>A. VCF-style: chr1-147908548-G-A. GRCh37 (hg19) VCF-style: chr1-147380675-G-A.
Other names: short protein forms R198Q.
Identifiers: ClinVar variation 8726 (VCV000008726.7), dbSNP rs80358205, ClinGen allele CA119868.
Genomic context (GRCh38, chr1:147,908,548, plus strand): 5'-TGCCTCTGTACCGCTGCAGCCGGTGGCCCTGCCCCAATGTGGTGGACTGCTTCGTGTCCC[G>A]GCCCACGGAGAAAACCATCTTCATCCTGTTCATGTTGTCTGTGGCCTCTGTGTCCCTATT-3'
Protein context (NP_005258.2, residues 188-208): CPNVVDCFVS[Arg198Gln]PTEKTIFILF